The following is an entry in ClinVar:

NM_000090.4(COL3A1):c.3255+4del

Gene: COL3A1 (collagen type III alpha 1 chain; plus strand). Cytogenetic location: 2q32.2.
Variant type: Deletion.
Coding change: c.3255+4del on transcript NM_000090.4 (MANE Select); 4 bases into the intron after coding-DNA position 3255, one base deleted (A; older notation c.3255+4delA).
Molecular consequence: intron variant.
Genome position (GRCh38, 1-based): chr2:189,006,994, A deleted; the last of 2 consecutive A bases (chr2:189,006,993-189,006,994); deleting either gives the same sequence. VCF-style (leftmost placement, unchanged base first): chr2-189006992-TA-T. GRCh37 (hg19) VCF-style: chr2-189871718-TA-T.
Identifiers: ClinVar variation 3376681 (VCV003376681.1).

ClinVar aggregate classification (germline): Pathogenic (1 of 4 stars; one submission).

Conditions:
Ehlers-Danlos syndrome, type 4 (EDSVASC). Also called: Ehlers-Danlos syndrome vascular type; Ehlers Danlos syndrome, ecchymotic type; Ehlers Danlos syndrome, arterial type; Ehlers Danlos syndrome, Sack-Barabas type; Ehlers-Danlos Syndrome Type IV. Identifiers: Orphanet 286, MedGen C0268338, MONDO:0017314, OMIM 130050.

Submission:

Victorian Clinical Genetics Services, Murdoch Childrens Research Institute
Classification: Pathogenic for Ehlers-Danlos syndrome, type 4. Last evaluated: 2023-07-16. Review status: criteria provided, single submitter. Criteria: ACMG Guidelines, 2015. Collection method: clinical testing. Allele origin: germline. Inheritance: Autosomal dominant inheritance. Affected: yes.
Comment: Based on the classification scheme VCGS_Germline_v1.3.4, this variant is classified as Pathogenic. Following criteria are met: 0103 - Dominant negative and loss of function are known mechanisms of disease in this gene. Dominant-negative is due to missense variants affecting glycine residues in the Gly-X-Y repeat within the triple helical region (PMID: 29346445), while loss-of-function is due to null alleles. (I) 0108 - This gene is associated with both recessive and dominant disease. There is currently no genotype-phenotype correlation between autosomal dominant Ehlers-Danlos syndrome (EDS), vascular type (MIM#130050) and autosomal recessive polymicrogyria with or without vascular-type EDS (MIM#618343). (I) 0112 - The condition associated with this gene has incomplete penetrance. Specifically, in association with null alleles (GeneReviews). (I) 0115 - Variants in this gene are known to have variable expressivity. Significant inter and intra-familial variability has been reported for the same pathogenic variants (GeneReviews). (I) 0210 - Splice site variant proven to affect splicing of the transcript with a known effect on protein sequence. RNA studies performed on total RNA extracted from this individual's fibroblasts demonstrated exon 44 skipping, leading to an in-frame deletion of 18 amino acids p.(Glu1068_Pro1085del) (Collagen Diagnostic Laboratory, University of Washington). (SP) 0251 - This variant is heterozygous. (I) 0301 - Variant is absent from gnomAD (both v2 and v3). (SP) 0508 - In silico predictions for abnormal splicing are conflicting. However, the nucleotide is highly conserved. (I) 0601 - Variant affects the well-established functional triple helical domain. It leads to the in-frame deletion of the G-X-Y repeat. (SP) 0703 - Other splice site variants comparable to the one identified in this case have moderate previous evidence for pathogenicity. c.3255+5G>A and c.3255+1G>A have been reported in three individuals with vascular EDS; and functionally proven to lead to the same in-frame deletion of 18 amino acids p.(Glu1068_Pro1085del) (PMID: 9399899). (SP) 0807 - This variant has no previous evidence of pathogenicity. (I) 0905 - No published segregation evidence has been identified for this variant. (I) 1007 - No published functional evidence has been identified for this variant. (I) 1102 - Strong phenotype match for this individual. (SP) 1207 - Parental origin of the variant is unresolved. (I) Legend: (SP) - Supporting pathogenic, (I) - Information, (SB) - Supporting benign

Literature cited by the submitters: PubMed 9399899; PubMed 29346445.